The following is an entry in ClinVar:

ClinVar aggregate classification (germline): Uncertain significance (1 of 4 stars; one submission).

Conditions:
Mitochondrial complex V (ATP synthase) deficiency, nuclear type 4A (MC5DN4A). Identifiers: MedGen C5830480, MONDO:0957254, OMIM 620358.

Submission:

Juno Genomics, Hangzhou Juno Genomics, Inc
Classification: Uncertain significance for Mitochondrial complex V (ATP synthase) deficiency, nuclear type 4A. Review status: criteria provided, single submitter. Criteria: ACMG Guidelines, 2015. Collection method: clinical testing. Allele origin: germline.
Comment: Absent from controls (or at extremely low frequency if recessive) in Genome Aggregation Database.;Missense variant in a gene that has a low rate of benign missense variation.;Multiple lines of computational evidence support a deleterious effect on the gene or gene product.

NM_004046.6(ATP5F1A):c.401C>T (p.Thr134Ile)

Gene: ATP5F1A (ATP synthase F1 subunit alpha; minus strand). Cytogenetic location: 18q21.1.
Variant type: single nucleotide variant.
Coding change: c.401C>T on transcript NM_004046.6 (MANE Select); coding-DNA position 401, C replaced by T.
Protein change: p.Thr134Ile; replaces threonine 134 with isoleucine.
Molecular consequence: missense variant.
Genome position (GRCh38, 1-based): chr18:46,089,905, G>A on the plus strand (C>T on the coding strand, the complement: ATP5F1A is on the minus strand). VCF-style: chr18-46089905-G-A. GRCh37 (hg19) VCF-style: chr18-43669871-G-A.
Other names: c.251C>T, p.Thr84Ile (NM_001001935.3, NM_001257335.2); c.401C>T, p.Thr134Ile (NM_001001937.2, NM_001257334.2); short protein forms T84I, T134I.
Identifiers: ClinVar variation 5005887 (VCV005005887.2).